The following is an entry in ClinVar:

ClinVar aggregate classification (germline): Uncertain significance (1 of 4 stars; one submission).

Conditions:
Duchenne muscular dystrophy (DMD). Also called: MUSCULAR DYSTROPHY, PSEUDOHYPERTROPHIC PROGRESSIVE, DUCHENNE TYPE; Duchenne Muscular Dystrophy (DMD). Identifiers: Orphanet 98896, MedGen C0013264, MONDO:0010679, OMIM 310200.

gnomAD v4.1: 1 of 1,211,408 alleles (0.000083%); highest among the groups gnomAD compares: South Asian, 0.0018%; no homozygotes.

Submission:

Labcorp Genetics (formerly Invitae), Labcorp
Classification: Uncertain significance for Duchenne muscular dystrophy. Last evaluated: 2021-06-01. Review status: criteria provided, single submitter. Criteria: Invitae Variant Classification Sherloc (09022015). Collection method: clinical testing. Allele origin: germline.
Comment: In summary, the available evidence is currently insufficient to determine the role of this variant in disease. Therefore, it has been classified as a Variant of Uncertain Significance. Algorithms developed to predict the effect of missense changes on protein structure and function are either unavailable or do not agree on the potential impact of this missense change (SIFT: "Tolerated"; PolyPhen-2: "Possibly Damaging"; Align-GVGD: "Class C0"). This variant has not been reported in the literature in individuals with DMD-related conditions. This variant is not present in population databases (ExAC no frequency). This sequence change replaces glutamic acid with glutamine at codon 1345 of the DMD protein (p.Glu1345Gln). The glutamic acid residue is highly conserved and there is a small physicochemical difference between glutamic acid and glutamine.

NM_004006.3(DMD):c.4033G>C (p.Glu1345Gln)

Gene: DMD (dystrophin; minus strand). Cytogenetic location: Xp21.1.
Variant type: single nucleotide variant.
Coding change: c.4033G>C on transcript NM_004006.3 (MANE Select); coding-DNA position 4033, G replaced by C.
Protein change: p.Glu1345Gln; replaces glutamic acid 1345 with glutamine.
Molecular consequence: missense variant.
Genome position (GRCh38, 1-based): chrX:32,438,279, C>G on the plus strand (G>C on the coding strand, the complement: DMD is on the minus strand). VCF-style: chrX-32438279-C-G. GRCh37 (hg19) VCF-style: chrX-32456396-C-G.
Other names: c.4009G>C, p.Glu1337Gln (NM_000109.4); c.4021G>C, p.Glu1341Gln (NM_004009.3); c.3664G>C, p.Glu1222Gln (NM_004010.3); short protein forms E1222Q, E1337Q, E1345Q, E1341Q.
Identifiers: ClinVar variation 1420059 (VCV001420059.8), dbSNP rs2148193515, ClinGen allele CA412669282.